The following is an entry in ClinVar:

NM_000548.5(TSC2):c.4212G>A (p.Lys1404=)

Gene: TSC2 (TSC complex subunit 2; plus strand). Cytogenetic location: 16p13.3.
Variant type: single nucleotide variant.
Coding change: c.4212G>A on transcript NM_000548.5 (MANE Select); coding-DNA position 4212, G replaced by A.
Protein change: p.Lys1404=; no amino-acid change (lysine 1404 retained).
Molecular consequence: synonymous variant.
Genome position (GRCh38, 1-based): chr16:2,084,434, G>A. VCF-style: chr16-2084434-G-A. GRCh37 (hg19) VCF-style: chr16-2134435-G-A.
Other names: c.4011G>A, p.Lys1337= (NM_001077183.3); c.4143G>A, p.Lys1381= (NM_001114382.3); c.3903G>A, p.Lys1301= (NM_001318827.2); c.3867G>A, p.Lys1289= (NM_001318829.2); c.3480G>A, p.Lys1160= (NM_001318831.2); c.4044G>A, p.Lys1348= (NM_001318832.2); c.4014G>A, p.Lys1338= (NM_001363528.2); c.4080G>A, p.Lys1360= (NM_001370404.1); and 1 more.
Identifiers: ClinVar variation 1159465 (VCV001159465.10), dbSNP rs2090506660, ClinGen allele CA493043241.

ClinVar aggregate classification (germline): Benign/Likely benign. Review status: criteria provided, multiple submitters, no conflicts (2 of 4 stars). 2 submissions from 2 submitters: Benign (1); Likely benign (1). Last evaluated 2025-06-03.

Conditions:
Tuberous sclerosis 2 (TSC2). Identifiers: Orphanet 805, MedGen C1860707, MONDO:0013199, OMIM 613254.

Allele frequency attached by ClinVar (database versions not stated): TOPMed below 0.00001.

Submissions (2):

Myriad Genetics, Inc.
Classification: Benign for Tuberous sclerosis 2. Last evaluated: 2025-06-03. Review status: criteria provided, single submitter. Criteria: Myriad Autosomal Dominant, Autosomal Recessive and X-Linked Classification Criteria (2023). Collection method: clinical testing. Allele origin: unknown.
Comment: This variant is considered benign. This variant is a silent/synonymous amino acid change and it is not expected to impact splicing.

Labcorp Genetics (formerly Invitae), Labcorp
Classification: Likely benign for Tuberous sclerosis 2. Last evaluated: 2025-01-26. Review status: criteria provided, single submitter. Criteria: Invitae Variant Classification Sherloc (09022015). Collection method: clinical testing. Allele origin: germline.